The following is an entry in ClinVar:

ClinVar aggregate classification (germline): Benign. Review status: criteria provided, multiple submitters, no conflicts (2 of 4 stars). 4 submissions from 4 submitters: Benign (3). 1 of the submissions does not count toward it. Last evaluated 2021-05-04.

Conditions:
KRT4-related disorder. Also called: KRT4-related condition.
White sponge nevus 1. Also called: LEUKOKERATOSIS, HEREDITARY MUCOSAL. Identifiers: MedGen C4011926, MONDO:0008676, OMIM 193900.

Allele frequency attached by ClinVar (database versions not stated): 1000 Genomes Project 0.05152; 1000 Genomes Project 30x 0.05278; TOPMed 0.08082; ESP Exome Variant Server 0.08979.
gnomAD v4.1: 185,081 of 1,613,800 alleles (11%); highest among the groups gnomAD compares: Non-Finnish European, 13%; 11,662 homozygotes.

Submissions (4):

GeneDx
Classification: Benign. Last evaluated: 2021-05-04. Review status: criteria provided, single submitter. Criteria: GeneDx Variant Classification Process June 2021. Collection method: clinical testing. Allele origin: germline. Affected: yes.

Illumina Laboratory Services, Illumina
Classification: Benign for White sponge nevus 1. Last evaluated: 2018-01-12. Review status: criteria provided, single submitter. Criteria: ICSL Variant Classification Criteria 13 December 2019. Collection method: clinical testing. Allele origin: germline.
Comment: This variant was observed in the ICSL laboratory as part of a predisposition screen in an ostensibly healthy population. It had not been previously curated by ICSL or reported in the Human Gene Mutation Database (HGMD: prior to June 1st, 2018), and was therefore a candidate for classification through an automated scoring system. Utilizing variant allele frequency, disease prevalence and penetrance estimates, and inheritance mode, an automated score was calculated to assess if this variant is too frequent to cause the disease. Based on the score and internal cut-off values, a variant classified as benign is not then subjected to further curation. The score for this variant resulted in a classification of benign for this disease.

Breakthrough Genomics
Classification: Benign. Review status: criteria provided, single submitter. Criteria: ACMG Guidelines, 2015. Collection method: not provided. Allele origin: germline. Inheritance: Autosomal dominant inheritance. Affected: yes.

PreventionGenetics, part of Exact Sciences
Classification: Benign for KRT4-related condition. Last evaluated: 2019-11-04. Review status: no assertion criteria provided. Collection method: clinical testing. Allele origin: germline. Not counted in ClinVar's aggregate classification.
Comment: This variant is classified as benign based on ACMG/AMP sequence variant interpretation guidelines (Richards et al. 2015 PMID: 25741868, with internal and published modifications).

NM_002272.4(KRT4):c.1020G>C (p.Ser340=)

Gene: KRT4 (keratin 4; minus strand). Cytogenetic location: 12q13.13.
Variant type: single nucleotide variant.
Coding change: c.1020G>C on transcript NM_002272.4 (MANE Select); coding-DNA position 1020, G replaced by C.
Protein change: p.Ser340=; no amino-acid change (serine 340 retained).
Molecular consequence: synonymous variant.
Genome position (GRCh38, 1-based): chr12:52,808,399, C>G on the plus strand (G>C on the coding strand, the complement: KRT4 is on the minus strand). VCF-style: chr12-52808399-C-G. GRCh37 (hg19) VCF-style: chr12-53202183-C-G.
Identifiers: ClinVar variation 309677 (VCV000309677.10), dbSNP rs7956809, ClinGen allele CA6588518.